The following is an entry in ClinVar:

NM_139057.4(ADAMTS17):c.515C>T (p.Pro172Leu)

Gene: ADAMTS17 (ADAM metallopeptidase with thrombospondin type 1 motif 17; minus strand). Cytogenetic location: 15q26.3.
Variant type: single nucleotide variant.
Coding change: c.515C>T on transcript NM_139057.4 (MANE Select); coding-DNA position 515, C replaced by T.
Protein change: p.Pro172Leu; replaces proline 172 with leucine.
Molecular consequence: missense variant.
Genome position (GRCh38, 1-based): chr15:100,330,990, G>A on the plus strand (C>T on the coding strand, the complement: ADAMTS17 is on the minus strand). VCF-style: chr15-100330990-G-A. GRCh37 (hg19) VCF-style: chr15-100871195-G-A.
Other names: short protein forms P172L.
Identifiers: ClinVar variation 1383723 (VCV001383723.6), dbSNP rs755032203, ClinGen allele CA394521486.

ClinVar aggregate classification (germline): Uncertain significance (1 of 4 stars; one submission).

Submission:

Labcorp Genetics (formerly Invitae), Labcorp
Classification: Uncertain significance. Last evaluated: 2021-02-05. Review status: criteria provided, single submitter. Criteria: Invitae Variant Classification Sherloc (09022015). Collection method: clinical testing. Allele origin: germline.
Comment: This variant has not been reported in the literature in individuals with ADAMTS17-related conditions. This variant is not present in population databases (ExAC no frequency). This sequence change replaces proline with leucine at codon 172 of the ADAMTS17 protein (p.Pro172Leu). The proline residue is weakly conserved and there is a moderate physicochemical difference between proline and leucine. In summary, the available evidence is currently insufficient to determine the role of this variant in disease. Therefore, it has been classified as a Variant of Uncertain Significance. Algorithms developed to predict the effect of missense changes on protein structure and function output the following: SIFT: "Not Available"; PolyPhen-2: "Benign"; Align-GVGD: "Not Available". The leucine amino acid residue is found in multiple mammalian species, suggesting that this missense change does not adversely affect protein function. These predictions have not been confirmed by published functional studies and their clinical significance is uncertain.